The following is an entry in ClinVar:

ClinVar aggregate classification (germline): Uncertain significance (1 of 4 stars; one submission).

Conditions:
Granulomatous disease, chronic, X-linked. Also called: CYTOCHROME b-NEGATIVE GRANULOMATOUS DISEASE, CHRONIC, X-LINKED; GRANULOMATOUS DISEASE, CHRONIC, X-LINKED, SOMATIC MOSAIC. Identifiers: Orphanet 379, MedGen C1844376, MONDO:0010600, OMIM 306400.

Allele frequency attached by ClinVar (database versions not stated): gnomAD exomes below 0.00001; ExAC 0.00001.
gnomAD v4.1: 3 of 1,210,970 alleles (0.00025%); highest among the groups gnomAD compares: Non-Finnish European, 0.00034%; no homozygotes.

Submission:

Labcorp Genetics (formerly Invitae), Labcorp
Classification: Uncertain significance for Granulomatous disease, chronic, X-linked. Last evaluated: 2024-01-26. Review status: criteria provided, single submitter. Criteria: Invitae Variant Classification Sherloc (09022015). Collection method: clinical testing. Allele origin: germline.
Comment: This sequence change replaces valine, which is neutral and non-polar, with alanine, which is neutral and non-polar, at codon 358 of the CYBB protein (p.Val358Ala). This variant is present in population databases (rs782162737, gnomAD 0.001%), including at least one homozygous and/or hemizygous individual. This variant has not been reported in the literature in individuals affected with CYBB-related conditions. Advanced modeling of protein sequence and biophysical properties (such as structural, functional, and spatial information, amino acid conservation, physicochemical variation, residue mobility, and thermodynamic stability) performed at Invitae indicates that this missense variant is not expected to disrupt CYBB protein function with a negative predictive value of 80%. In summary, the available evidence is currently insufficient to determine the role of this variant in disease. Therefore, it has been classified as a Variant of Uncertain Significance.

NM_000397.4(CYBB):c.1073T>C (p.Val358Ala)

Gene: CYBB (cytochrome b-245 beta chain; plus strand). Cytogenetic location: Xp11.4.
Variant type: single nucleotide variant.
Coding change: c.1073T>C on transcript NM_000397.4 (MANE Select); coding-DNA position 1073, T replaced by C.
Protein change: p.Val358Ala; replaces valine 358 with alanine.
Molecular consequence: missense variant.
Genome position (GRCh38, 1-based): chrX:37,804,052, T>C. VCF-style: chrX-37804052-T-C. GRCh37 (hg19) VCF-style: chrX-37663305-T-C.
Other names: short protein forms V358A.
Identifiers: ClinVar variation 2732237 (VCV002732237.3), dbSNP rs782162737, ClinGen allele CA10383828.
Genomic context (GRCh38, chrX:37,804,052, plus strand): 5'-ACCCTTTTACACTGACATCCGCCCCTGAGGAAGACTTCTTTAGTATCCATATCCGCATCG[T>C]TGGGGACTGGACAGAGGGGCTGTTCAATGCTTGTGGCTGTGATAAGCAGGAGTTTCAAGA-3'
Protein context (NP_000388.2, residues 348-368): EDFFSIHIRI[Val358Ala]GDWTEGLFNA